The following is an entry in ClinVar:

ClinVar aggregate classification (germline): Uncertain significance (1 of 4 stars; one submission).

Conditions:
Hereditary cancer-predisposing syndrome. Also called: Hereditary Cancer Syndrome; Tumor predisposition; Hereditary neoplastic syndrome; Neoplastic Syndromes, Hereditary. Identifiers: Orphanet 140162, MedGen C0027672, MeSH D009386, MONDO:0015356.
Cardiovascular phenotype. Identifiers: MedGen CN230736.

Submission:

Ambry Genetics
Classification: Uncertain significance for Cardiovascular phenotype; Hereditary cancer-predisposing syndrome. Last evaluated: 2024-09-30. Review status: criteria provided, single submitter. Criteria: Ambry Variant Classification Scheme 2023. Collection method: clinical testing. Allele origin: germline.
Comment: The p.T1520R variant (also known as c.4559C>G), located in coding exon 34 of the NF1 gene, results from a C to G substitution at nucleotide position 4559. The threonine at codon 1520 is replaced by arginine, an amino acid with similar properties. This amino acid position is conserved. In addition, this alteration is predicted to be deleterious by in silico analysis. Based on the available evidence, the clinical significance of this variant remains unclear.

NM_001042492.3(NF1):c.4622C>G (p.Thr1541Arg)

Gene: NF1 (neurofibromin 1; plus strand). Cytogenetic location: 17q11.2.
Variant type: single nucleotide variant.
Coding change: c.4622C>G on transcript NM_001042492.3 (MANE Select); coding-DNA position 4622, C replaced by G.
Protein change: p.Thr1541Arg; replaces threonine 1541 with arginine.
Molecular consequence: missense variant.
Genome position (GRCh38, 1-based): chr17:31,261,755, C>G. VCF-style: chr17-31261755-C-G. GRCh37 (hg19) VCF-style: chr17-29588773-C-G.
Other names: c.4559C>G, p.Thr1520Arg (NM_000267.4); short protein forms T1520R, T1541R.
Identifiers: ClinVar variation 3404771 (VCV003404771.1).
Genomic context (GRCh38, chr17:31,261,755, plus strand): 5'-AGTTTGCTGTATCTAGGGATCATAAAGCTGTTGGAAGACGACCTTTTGATAAGATGGCAA[C>G]ACTTCTTGCATACCTGGGTCCTCCAGAGCACAAACCTGTGGCAGATACACACTGGTCCAG-3'
Protein context (NP_001035957.1, residues 1531-1551): VGRRPFDKMA[Thr1541Arg]LLAYLGPPEH